The following is an entry in ClinVar:

ClinVar aggregate classification (germline): Uncertain significance (1 of 4 stars; one submission).

Conditions:
Colorectal cancer, hereditary nonpolyposis, type 7. Identifiers: Orphanet 144, MedGen C1858380, MONDO:0013725, OMIM 614385.

Submission:

Labcorp Genetics (formerly Invitae), Labcorp
Classification: Uncertain significance for Colorectal cancer, hereditary nonpolyposis, type 7. Last evaluated: 2018-12-29. Review status: criteria provided, single submitter. Criteria: Invitae Variant Classification Sherloc (09022015). Collection method: clinical testing. Allele origin: germline.
Comment: This sequence change replaces methionine with threonine at codon 403 of the MLH3 protein (p.Met403Thr). The methionine residue is weakly conserved and there is a moderate physicochemical difference between methionine and threonine. This variant is not present in population databases (ExAC no frequency). This variant has not been reported in the literature in individuals with MLH3-related conditions. Algorithms developed to predict the effect of missense changes on protein structure and function (SIFT, PolyPhen-2, Align-GVGD) all suggest that this variant is likely to be tolerated, but these predictions have not been confirmed by published functional studies and their clinical significance is uncertain. In summary, the available evidence is currently insufficient to determine the role of this variant in disease. Therefore, it has been classified as a Variant of Uncertain Significance.

NM_001040108.2(MLH3):c.1208T>C (p.Met403Thr)

Gene: MLH3 (mutL homolog 3; minus strand). Cytogenetic location: 14q24.3.
Variant type: single nucleotide variant.
Coding change: c.1208T>C on transcript NM_001040108.2 (MANE Select); coding-DNA position 1208, T replaced by C.
Protein change: p.Met403Thr; replaces methionine 403 with threonine.
Molecular consequence: missense variant.
Genome position (GRCh38, 1-based): chr14:75,048,448, A>G on the plus strand (T>C on the coding strand, the complement: MLH3 is on the minus strand). VCF-style: chr14-75048448-A-G. GRCh37 (hg19) VCF-style: chr14-75515151-A-G.
Other names: c.1208T>C, p.Met403Thr (NM_014381.3); short protein forms M403T.
Identifiers: ClinVar variation 656490 (VCV000656490.8), dbSNP rs1594781410, ClinGen allele CA390447007.